The following is an entry in ClinVar:

NM_000179.3(MSH6):c.1556A>G (p.Lys519Arg)

Gene: MSH6 (mutS homolog 6; plus strand). Cytogenetic location: 2p16.3.
Variant type: single nucleotide variant.
Coding change: c.1556A>G on transcript NM_000179.3 (MANE Select); coding-DNA position 1556, A replaced by G.
Protein change: p.Lys519Arg; replaces lysine 519 with arginine.
Molecular consequence: missense variant.
Genome position (GRCh38, 1-based): chr2:47,799,539, A>G. VCF-style: chr2-47799539-A-G. GRCh37 (hg19) VCF-style: chr2-48026678-A-G.
Other names: c.1166A>G, p.Lys389Arg (NM_001281492.2); c.650A>G, p.Lys217Arg (NM_001281493.2, NM_001281494.2); short protein forms K519R, K389R, K217R.
Identifiers: ClinVar variation 449171 (VCV000449171.22), dbSNP rs1285168531, ClinGen allele CA346746694.

ClinVar aggregate classification (germline): Conflicting classifications of pathogenicity. Review status: criteria provided, conflicting classifications (1 of 4 stars). 5 submissions from 5 submitters: Uncertain significance (4); Likely benign (1). Last evaluated 2025-10-29.

Conditions:
Hereditary nonpolyposis colorectal neoplasms. Identifiers: MedGen C0009405, MeSH D003123.
Hereditary cancer-predisposing syndrome. Also called: Neoplastic Syndromes, Hereditary; Hereditary neoplastic syndrome; Hereditary Cancer Syndrome; Tumor predisposition. Identifiers: Orphanet 140162, MedGen C0027672, MeSH D009386, MONDO:0015356.
Endometrial carcinoma. Also called: Endometrial carcinoma, somatic. Identifiers: MedGen C0476089, MONDO:0002447, OMIM 608089, HP:0012114.

Allele frequency attached by ClinVar (database versions not stated): gnomAD exomes 0.00001.
gnomAD v4.1: 4 of 1,614,214 alleles (0.00025%); highest among the groups gnomAD compares: Non-Finnish European, 0.00025%; no homozygotes.

Submissions (5):

Labcorp Genetics (formerly Invitae), Labcorp
Classification: Likely benign for Hereditary nonpolyposis colorectal neoplasms. Last evaluated: 2025-10-29. Review status: criteria provided, single submitter. Criteria: Invitae Variant Classification Sherloc (09022015). Collection method: clinical testing. Allele origin: germline.

Color Diagnostics, LLC DBA Color Health
Classification: Uncertain significance for Hereditary cancer-predisposing syndrome. Last evaluated: 2025-06-24. Review status: criteria provided, single submitter. Criteria: ACMG Guidelines, 2015. Collection method: clinical testing. Allele origin: germline.
Comment: This missense variant replaces lysine with arginine at codon 519 of the MSH6 protein. Computational prediction suggests that this variant may not impact protein structure and function. To our knowledge, functional studies have not been reported for this variant. This variant has not been reported in individuals affected with MSH6-related disorders in the literature. This variant has been identified in 2/251300 chromosomes in the general population by the Genome Aggregation Database (gnomAD). The available evidence is insufficient to determine the role of this variant in disease conclusively. Therefore, this variant is classified as a Variant of Uncertain Significance.

Ambry Genetics
Classification: Uncertain significance for Hereditary cancer-predisposing syndrome. Last evaluated: 2024-04-23. Review status: criteria provided, single submitter. Criteria: Ambry Variant Classification Scheme 2023. Collection method: clinical testing. Allele origin: germline.
Comment: The p.K519R variant (also known as c.1556A>G), located in coding exon 4 of the MSH6 gene, results from an A to G substitution at nucleotide position 1556. The lysine at codon 519 is replaced by arginine, an amino acid with highly similar properties. This amino acid position is not well conserved in available vertebrate species. This alteration is predicted to be tolerated by in silico analyses. Since supporting evidence is limited at this time, the clinical significance of this alteration remains unclear.

Baylor Genetics
Classification: Uncertain significance for Endometrial carcinoma. Last evaluated: 2024-02-27. Review status: criteria provided, single submitter. Criteria: ACMG Guidelines, 2015. Collection method: clinical testing. Allele origin: unknown.

GeneDx
Classification: Uncertain significance. Last evaluated: 2017-03-09. Review status: criteria provided, single submitter. Criteria: GeneDx Variant Classification (06012015). Collection method: clinical testing. Allele origin: germline. Affected: yes.
Comment: This variant is denoted MSH6 c.1556A>G at the cDNA level, p.Lys519Arg (K519R) at the protein level, and results in the change of a Lysine to an Arginine (AAG>AGG). This variant has not, to our knowledge, been published in the literature as pathogenic or benign. MSH6 Lys519Arg was not observed in large population cohorts (NHLBI Exome Sequencing Project, The 1000 Genomes Consortium 2015, Lek 2016). Since Lysine and Arginine share similar properties, this is considered a conservative amino acid substitution. MSH6 Lys519Arg occurs at a position where amino acids with properties similar to Lysine are tolerated across species and is located within the connector domain (Warren 2007, Kansikas 2011). In silico analyses are inconsistent regarding the effect this variant may have on protein structure and function. Based on currently available information, it is unclear whether MSH6 Lys519Arg is pathogenic or benign. We consider it to be a variant of uncertain significance.